The following is an entry in ClinVar:

ClinVar aggregate classification (germline): Pathogenic (1 of 4 stars; one submission).

Conditions:
Arrhythmogenic right ventricular dysplasia 10. Also called: Arrhythmogenic Right Ventricular Dysplasia/Cardiomyopathy10; Arrhythmogenic right ventricular dysplasia/cardiomyopathy, type 10; ARRHYTHMOGENIC RIGHT VENTRICULAR DYSPLASIA, FAMILIAL, 10. Identifiers: MedGen C1857777, MONDO:0012434, OMIM 610193.

Submission:

Labcorp Genetics (formerly Invitae), Labcorp
Classification: Pathogenic for Arrhythmogenic right ventricular dysplasia 10. Last evaluated: 2024-03-07. Review status: criteria provided, single submitter. Criteria: Invitae Variant Classification Sherloc (09022015). Collection method: clinical testing. Allele origin: germline.
Comment: This sequence change creates a premature translational stop signal (p.Glu719*) in the DSG2 gene. It is expected to result in an absent or disrupted protein product. Loss-of-function variants in DSG2 are known to be pathogenic (PMID: 17105751, 31386562). This variant is not present in population databases (gnomAD no frequency). This variant has not been reported in the literature in individuals affected with DSG2-related conditions. Algorithms developed to predict the effect of sequence changes on RNA splicing suggest that this variant may create or strengthen a splice site. For these reasons, this variant has been classified as Pathogenic.

Literature cited by the submitters: PubMed 17105751; PubMed 31386562.

NM_001943.5(DSG2):c.2155G>T (p.Glu719Ter)

Genes: DSG2 (desmoglein 2; plus strand), DSG2-AS1 (DSG2 antisense RNA 1; minus strand). Cytogenetic location: 18q12.1.
Variant type: single nucleotide variant.
Coding change: c.2155G>T on transcript NM_001943.5 (MANE Select); coding-DNA position 2155, G replaced by T.
Protein change: p.Glu719Ter; replaces glutamic acid 719 with a stop codon.
Molecular consequence: nonsense.
Genome position (GRCh38, 1-based): chr18:31,542,673, G>T. VCF-style: chr18-31542673-G-T. GRCh37 (hg19) VCF-style: chr18-29122636-G-T.
Other names: short protein forms E719*.
Identifiers: ClinVar variation 3644812 (VCV003644812.2).